The following is an entry in ClinVar:

NM_001372066.1(TFAP2A):c.749T>C (p.Leu250Pro)

Genes: TFAP2A (transcription factor AP-2 alpha; minus strand), TFAP2A-AS2 (TFAP2A antisense RNA 2; plus strand), LOC121740638 (BRD4-independent group 4 enhancer GRCh37_chr6:10403277-10404476; plus strand). Cytogenetic location: 6p24.3.
Variant type: single nucleotide variant.
Coding change: c.749T>C on transcript NM_001372066.1 (MANE Select); coding-DNA position 749, T replaced by C.
Protein change: p.Leu250Pro; replaces leucine 250 with proline.
Molecular consequence: missense variant. On other transcripts: non-coding transcript variant (1).
Genome position (GRCh38, 1-based): chr6:10,404,529, A>G on the plus strand (T>C on the coding strand, the complement: TFAP2A is on the minus strand). VCF-style: chr6-10404529-A-G. GRCh37 (hg19) VCF-style: chr6-10404762-A-G.
Other names: c.725T>C, p.Leu242Pro (NM_001032280.3); c.731T>C, p.Leu244Pro (NM_001042425.3); short protein forms L242P, L244P, L250P.
Identifiers: ClinVar variation 2711455 (VCV002711455.3), dbSNP rs2532363550, ClinGen allele CA362701173.
Genomic context (GRCh38, chr6:10,404,529, plus strand): 5'-GCCGCGGGGCGGGGCGGGCGGGGCCGTGCCGGGCCTCACCTCCGGAGCACTCCGCCCAGC[A>G]GCGACGCGTTGAGACACTCGGGTGGTGAGAGCCGCCGCTGCACTTCCGCCACCGTGACCT-3'
Protein context (NP_001358995.1, residues 240-260): LSPPECLNAS[Leu250Pro]LGGVLRRAKS

ClinVar aggregate classification (germline): Uncertain significance (1 of 4 stars; one submission).

Submission:

Labcorp Genetics (formerly Invitae), Labcorp
Classification: Uncertain significance. Last evaluated: 2024-02-09. Review status: criteria provided, single submitter. Criteria: Invitae Variant Classification Sherloc (09022015). Collection method: clinical testing. Allele origin: germline.
Comment: This sequence change replaces leucine, which is neutral and non-polar, with proline, which is neutral and non-polar, at codon 248 of the TFAP2A protein (p.Leu248Pro). This variant is not present in population databases (gnomAD no frequency). This missense change has been observed in individual(s) with branchiooculofacial syndrome (Invitae). An algorithm developed to predict the effect of missense changes on protein structure and function (PolyPhen-2) suggests that this variant is likely to be disruptive. In summary, the available evidence is currently insufficient to determine the role of this variant in disease. Therefore, it has been classified as a Variant of Uncertain Significance.